The following is an entry in ClinVar:

ClinVar aggregate classification (germline): Uncertain significance (1 of 4 stars; one submission).

gnomAD v4.1: 6 of 1,614,182 alleles (0.00037%); highest among the groups gnomAD compares: Admixed American, 0.01%; no homozygotes.

Submission:

Ambry Genetics
Classification: Uncertain significance. Last evaluated: 2025-01-27. Review status: criteria provided, single submitter. Criteria: Ambry Variant Classification Scheme 2023. Collection method: clinical testing. Allele origin: germline.
Comment: The p.C484R variant (also known as c.1450T>C), located in coding exon 1 of the TET2 gene, results from a T to C substitution at nucleotide position 1450. The cysteine at codon 484 is replaced by arginine, an amino acid with highly dissimilar properties. This amino acid position is conserved. In addition, this alteration is predicted to be tolerated by in silico analysis. Based on the available evidence, the clinical significance of this variant remains unclear.

NM_001127208.3(TET2):c.1450T>C (p.Cys484Arg)

Genes: TET2 (tet methylcytosine dioxygenase 2; plus strand), TET2-AS1 (TET2 antisense RNA 1; minus strand). Cytogenetic location: 4q24.
Variant type: single nucleotide variant.
Coding change: c.1450T>C on transcript NM_001127208.3 (MANE Select); coding-DNA position 1450, T replaced by C.
Protein change: p.Cys484Arg; replaces cysteine 484 with arginine.
Molecular consequence: missense variant.
Genome position (GRCh38, 1-based): chr4:105,235,392, T>C. VCF-style: chr4-105235392-T-C. GRCh37 (hg19) VCF-style: chr4-106156549-T-C.
Other names: c.1450T>C, p.Cys484Arg (NM_017628.4); short protein forms C484R.
Identifiers: ClinVar variation 3806011 (VCV003806011.1).